The following is an entry in ClinVar:

ClinVar aggregate classification (germline): Uncertain significance. Review status: criteria provided, multiple submitters, no conflicts (2 of 4 stars). 2 submissions from 2 submitters: Uncertain significance (2). Last evaluated 2025-08-22.

Conditions:
Inborn genetic diseases. Identifiers: MedGen C0950123, MeSH D030342.

Submissions (2):

Labcorp Genetics (formerly Invitae), Labcorp
Classification: Uncertain significance. Last evaluated: 2025-08-22. Review status: criteria provided, single submitter. Criteria: Invitae Variant Classification Sherloc (09022015). Collection method: clinical testing. Allele origin: germline.
Comment: This sequence change replaces alanine, which is neutral and non-polar, with proline, which is neutral and non-polar, at codon 222 of the DNM1L protein (p.Ala222Pro). This variant is not present in population databases (gnomAD no frequency). This variant has not been reported in the literature in individuals affected with DNM1L-related conditions. ClinVar contains an entry for this variant (Variation ID: 3273221). An algorithm developed to predict the effect of missense changes on protein structure and function (PolyPhen-2) suggests that this variant is likely to be tolerated. In summary, the available evidence is currently insufficient to determine the role of this variant in disease. Therefore, it has been classified as a Variant of Uncertain Significance.

Ambry Genetics
Classification: Uncertain significance for Inborn genetic diseases. Last evaluated: 2024-06-03. Review status: criteria provided, single submitter. Criteria: Ambry Variant Classification Scheme 2023. Collection method: clinical testing. Allele origin: germline.

NM_012062.5(DNM1L):c.664G>C (p.Ala222Pro)

Gene: DNM1L (dynamin 1 like; plus strand). Cytogenetic location: 12p11.21.
Variant type: single nucleotide variant.
Coding change: c.664G>C on transcript NM_012062.5 (MANE Select); coding-DNA position 664, G replaced by C.
Protein change: p.Ala222Pro; replaces alanine 222 with proline.
Molecular consequence: missense variant. On other transcripts: intron variant (1).
Genome position (GRCh38, 1-based): chr12:32,718,687, G>C. VCF-style: chr12-32718687-G-C. GRCh37 (hg19) VCF-style: chr12-32871621-G-C.
Other names: c.664G>C, p.Ala222Pro (NM_001278463.2, NM_005690.5, NM_012063.4); c.703G>C, p.Ala235Pro (NM_001278464.2, NM_001278465.2, NM_001330380.2); c.132-1977G>C (NM_001278466.2); short protein forms A222P, A235P.
Identifiers: ClinVar variation 3273221 (VCV003273221.2).